The following is an entry in ClinVar:

ClinVar aggregate classification (germline): Conflicting classifications of pathogenicity. Review status: criteria provided, conflicting classifications (1 of 4 stars). 5 submissions from 5 submitters: Uncertain significance (4); Likely benign (1). Last evaluated 2026-01-26.

Conditions:
Inborn genetic diseases. Identifiers: MedGen C0950123, MeSH D030342.
COL6A2-related disorder.
Bethlem myopathy 1A. Also called: MYOPATHY, BENIGN CONGENITAL, WITH CONTRACTURES; Bethlem Muscular Dystrophy; Bethlem myopathy 1. Identifiers: Orphanet 610, MedGen CN029274, MONDO:0024530, OMIM 158810.

Allele frequency attached by ClinVar (database versions not stated): TOPMed 0.00010; gnomAD exomes 0.00011; ExAC 0.00013; gnomAD 0.00017 and 0.00019; ESP Exome Variant Server 0.00023.
gnomAD v4.1: 82 of 1,599,722 alleles (0.0051%); highest among the groups gnomAD compares: African/African-American, 0.039%; no homozygotes.

Submissions (5):

PreventionGenetics, part of Exact Sciences
Classification: Uncertain significance for COL6A2-related condition. Last evaluated: 2026-01-26. Review status: criteria provided, single submitter. Criteria: ACMG Guidelines, 2015. Collection method: clinical testing. Allele origin: germline.
Comment: The COL6A2 c.2410G>A variant is predicted to result in the amino acid substitution p.Val804Ile. To our knowledge, this variant has not been reported in the literature. This variant is reported in 0.043% of alleles in individuals of European (Finnish) descent in gnomAD. At this time, the clinical significance of this variant is uncertain due to the absence of conclusive functional and genetic evidence.

Ambry Genetics
Classification: Uncertain significance for Inborn genetic diseases. Last evaluated: 2025-05-04. Review status: criteria provided, single submitter. Criteria: Ambry Variant Classification Scheme 2023. Collection method: clinical testing. Allele origin: germline.

Labcorp Genetics (formerly Invitae), Labcorp
Classification: Likely benign for Bethlem myopathy 1A. Last evaluated: 2025-02-01. Review status: criteria provided, single submitter. Criteria: Invitae Variant Classification Sherloc (09022015). Collection method: clinical testing. Allele origin: germline.

CeGaT Center for Human Genetics Tuebingen
Classification: Uncertain significance. Last evaluated: 2024-09-01. Review status: criteria provided, single submitter. Criteria: CeGaT Center For Human Genetics Tuebingen Variant Classification Criteria Version 2. Collection method: clinical testing. Allele origin: germline. Affected: yes. Observed: 1 variant allele.
Comment: COL6A2: PM2, BP4

Eurofins Ntd Llc (ga)
Classification: Uncertain significance. Last evaluated: 2017-05-04. Review status: criteria provided, single submitter. Criteria: EGL Classification Definitions 2015. Collection method: clinical testing. Allele origin: germline. Observed: 1 variant allele, 1 heterozygote.

NM_001849.4(COL6A2):c.2410G>A (p.Val804Ile)

Gene: COL6A2 (collagen type VI alpha 2 chain; plus strand). Cytogenetic location: 21q22.3.
Variant type: single nucleotide variant.
Coding change: c.2410G>A on transcript NM_001849.4 (MANE Select); coding-DNA position 2410, G replaced by A.
Protein change: p.Val804Ile; replaces valine 804 with isoleucine.
Molecular consequence: missense variant.
Genome position (GRCh38, 1-based): chr21:46,126,225, G>A. VCF-style: chr21-46126225-G-A. GRCh37 (hg19) VCF-style: chr21-47546139-G-A.
Other names: c.2410G>A, p.Val804Ile (NM_058174.3, NM_058175.3); short protein forms V804I.
Identifiers: ClinVar variation 501834 (VCV000501834.34), dbSNP rs199896699, ClinGen allele CA10072553.